The following is an entry in ClinVar:

ClinVar aggregate classification (germline): Uncertain significance (1 of 4 stars; one submission).

Submission:

Labcorp Genetics (formerly Invitae), Labcorp
Classification: Uncertain significance. Last evaluated: 2022-04-13. Review status: criteria provided, single submitter. Criteria: Invitae Variant Classification Sherloc (09022015). Collection method: clinical testing. Allele origin: germline.
Comment: This sequence change replaces glycine, which is neutral and non-polar, with arginine, which is basic and polar, at codon 42 of the NSMCE3 protein (p.Gly42Arg). This variant is not present in population databases (gnomAD no frequency). This variant has not been reported in the literature in individuals affected with NSMCE3-related conditions. Algorithms developed to predict the effect of missense changes on protein structure and function output the following: SIFT: "Tolerated"; PolyPhen-2: "Benign"; Align-GVGD: "Class C0". The arginine amino acid residue is found in multiple mammalian species, which suggests that this missense change does not adversely affect protein function. In summary, the available evidence is currently insufficient to determine the role of this variant in disease. Therefore, it has been classified as a Variant of Uncertain Significance.

NM_138704.4(NSMCE3):c.124G>C (p.Gly42Arg)

Genes: ENTREP2 (endosomal transmembrane epsin interactor 2; minus strand), NSMCE3 (NSE3 homolog, SMC5-SMC6 complex component; minus strand). Cytogenetic location: 15q13.1.
Variant type: single nucleotide variant.
Coding change: c.124G>C on transcript NM_138704.4 (MANE Select); coding-DNA position 124, G replaced by C.
Protein change: p.Gly42Arg; replaces glycine 42 with arginine.
Molecular consequence: missense variant. On other transcripts: intron variant (5).
Genome position (GRCh38, 1-based): chr15:29,269,582, C>G on the plus strand (G>C on the coding strand, the complement: NSMCE3 is on the minus strand). VCF-style: chr15-29269582-C-G. GRCh37 (hg19) VCF-style: chr15-29561786-C-G.
Other names: c.-12-17104G>C (NM_001387217.1, NM_001387215.1, NM_001387216.1); c.277-17104G>C (NM_001387214.1, NM_015307.2); short protein forms G42R.
Identifiers: ClinVar variation 1470015 (VCV001470015.5), dbSNP rs994288624, ClinGen allele CA391484875.